The following is an entry in ClinVar:

ClinVar aggregate classification (germline): Uncertain significance. Review status: criteria provided, multiple submitters, no conflicts (2 of 4 stars). 2 submissions from 2 submitters: Uncertain significance (2). Last evaluated 2025-07-29.

Conditions:
Cardiomyopathy (CMYO). Also called: Cardiomyopathies. Identifiers: Orphanet 167848, MedGen C0878544, MONDO:0004994, HP:0001638. Inheritance: Various modes of inheritance.
Hypertrophic cardiomyopathy. Also called: HYPERTROPHIC MYOCARDIOPATHY. Identifiers: Orphanet 217569, MedGen C0007194, MeSH D002312, MONDO:0005045, HP:0001639.

Submissions (2):

Color Diagnostics, LLC DBA Color Health
Classification: Uncertain significance for Cardiomyopathy. Last evaluated: 2025-07-29. Review status: criteria provided, single submitter. Criteria: ACMG Guidelines, 2015. Collection method: clinical testing. Allele origin: germline.
Comment: This missense variant replaces lysine with arginine at codon 615 of the MYH7 protein. Computational prediction is inconclusive regarding the impact of this variant on protein structure and function. To our knowledge, functional studies have not been reported for this variant. This variant has not been reported in individuals affected with MYH7-related disorders in the literature. This variant has not been identified in the general population by the Genome Aggregation Database (gnomAD). The available evidence is insufficient to determine the role of this variant in disease conclusively. Therefore, this variant is classified as a Variant of Uncertain Significance.

Labcorp Genetics (formerly Invitae), Labcorp
Classification: Uncertain significance for Hypertrophic cardiomyopathy. Last evaluated: 2021-12-12. Review status: criteria provided, single submitter. Criteria: Invitae Variant Classification Sherloc (09022015). Collection method: clinical testing. Allele origin: germline.
Comment: This variant is found within a region of MYH7 between codons 181 and 937 that contains the majority of the myosin head domain. Missense variants in this region have been shown to be significantly overrepresented in individuals with hypertrophic cardiomyopathy (PMID: 27532257). In summary, the available evidence is currently insufficient to determine the role of this variant in disease. Therefore, it has been classified as a Variant of Uncertain Significance. Algorithms developed to predict the effect of sequence changes on RNA splicing suggest that this variant may create or strengthen a splice site. This sequence change replaces lysine, which is basic and polar, with arginine, which is basic and polar, at codon 615 of the MYH7 protein (p.Lys615Arg). This variant is not present in population databases (gnomAD no frequency). This variant has not been reported in the literature in individuals affected with MYH7-related conditions. ClinVar contains an entry for this variant (Variation ID: 920603). Algorithms developed to predict the effect of missense changes on protein structure and function are either unavailable or do not agree on the potential impact of this missense change (SIFT: "Deleterious"; PolyPhen-2: "Benign"; Align-GVGD: "Class C25").

Literature cited by the submitters: PubMed 27532257 (cited by Labcorp Genetics (formerly Invitae), Labcorp).

NM_000257.4(MYH7):c.1844A>G (p.Lys615Arg)

Gene: MYH7 (myosin heavy chain 7; minus strand). Cytogenetic location: 14q11.2.
Variant type: single nucleotide variant.
Coding change: c.1844A>G on transcript NM_000257.4 (MANE Select); coding-DNA position 1844, A replaced by G.
Protein change: p.Lys615Arg; replaces lysine 615 with arginine.
Molecular consequence: missense variant.
Genome position (GRCh38, 1-based): chr14:23,427,629, T>C on the plus strand (A>G on the coding strand, the complement: MYH7 is on the minus strand). VCF-style: chr14-23427629-T-C. GRCh37 (hg19) VCF-style: chr14-23896838-T-C.
Other names: short protein forms K615R.
Identifiers: ClinVar variation 920603 (VCV000920603.8), dbSNP rs1892745662, ClinGen allele CA389049699.